The following is an entry in ClinVar:

ClinVar aggregate classification (germline): Uncertain significance (1 of 4 stars; one submission).

Submission:

Labcorp Genetics (formerly Invitae), Labcorp
Classification: Uncertain significance. Last evaluated: 2025-09-30. Review status: criteria provided, single submitter. Criteria: Invitae Variant Classification Sherloc (09022015). Collection method: clinical testing. Allele origin: germline.
Comment: This sequence change replaces alanine, which is neutral and non-polar, with glutamic acid, which is acidic and polar, at codon 165 of the ALPK3 protein (p.Ala165Glu). This variant is not present in population databases (gnomAD no frequency). This variant has not been reported in the literature in individuals affected with ALPK3-related conditions. An algorithm developed to predict the effect of missense changes on protein structure and function (PolyPhen-2) suggests that this variant is likely to be tolerated. In summary, the available evidence is currently insufficient to determine the role of this variant in disease. Therefore, it has been classified as a Variant of Uncertain Significance.

NC_000015.10:g.84817340C>A

Gene: ALPK3 (alpha kinase 3; plus strand). Cytogenetic location: 15q25.3.
Variant type: single nucleotide variant.
Genome position: GRCh38 VCF-style: chr15-84817340-C-A. GRCh37 (hg19) VCF-style: chr15-85360571-C-A.
Identifiers: ClinVar variation 4721908 (VCV004721908.1).